The following is an entry in ClinVar:

NM_006031.6(PCNT):c.8878_8890del (p.Ala2960fs)

Gene: PCNT (pericentrin; plus strand). Cytogenetic location: 21q22.3.
Variant type: Deletion.
Coding change: c.8878_8890del on transcript NM_006031.6 (MANE Select); coding-DNA positions 8878 to 8890, 13 bases deleted (GCTGCCGGCTCGG).
Protein change: p.Ala2960fs; shifts the reading frame from alanine 2960.
Molecular consequence: frameshift variant.
Genome position (GRCh38, 1-based): chr21:46,436,030-46,436,042, GCTGCCGGCTCGG deleted; deleting any 13 consecutive bases within chr21:46,436,028-46,436,042 gives the same sequence; the c. name uses the placement nearest the transcript's 3' end. VCF-style (leftmost placement, unchanged base first): chr21-46436027-AGGGCTGCCGGCTC-A. GRCh37 (hg19) VCF-style: chr21-47855940-AGGGCTGCCGGCTC-A.
Other names: c.8287_8299del, p.Ala2763fs (NM_001315529.2); short protein forms A2763fs, A2960fs.
Identifiers: ClinVar variation 3347623 (VCV003347623.1).

ClinVar aggregate classification (germline): Pathogenic (0 of 4 stars; one submission).

Conditions:
PCNT-related disorder. Also called: PCNT-related condition.

Submission:

PreventionGenetics, part of Exact Sciences
Classification: Pathogenic for PCNT-related condition. Last evaluated: 2024-09-13. Review status: no assertion criteria provided. Collection method: clinical testing. Allele origin: germline.
Comment: The PCNT c.8878_8890del13 variant is predicted to result in a frameshift and premature protein termination (p.Ala2960Metfs*15). To our knowledge, this variant has not been reported in the literature or in a large population database, indicating this variant is rare. Frameshift variants in PCNT are expected to be pathogenic. This variant is interpreted as pathogenic.